The following is an entry in ClinVar:

ClinVar aggregate classification (germline): Uncertain significance. Review status: criteria provided, multiple submitters, no conflicts (2 of 4 stars). 3 submissions from 3 submitters: Uncertain significance (3). Last evaluated 2025-03-27.

Conditions:
Inborn genetic diseases. Identifiers: MedGen C0950123, MeSH D030342.
Joubert syndrome. Also called: Familial aplasia of the vermis; JOUBERT-BOLTSHAUSER SYNDROME. Identifiers: Orphanet 475, MedGen C5979921, MONDO:0018772.
Meckel-Gruber syndrome. Also called: Dysencephalia splachnocystica; DYSENCEPHALIA SPLANCHNOCYSTICA; GRUBER SYNDROME. Identifiers: Orphanet 564, MedGen C0265215, MONDO:0018921.
RPGRIP1L-related disorder. Also called: RPGRIP1L-related disorders; RPGRIP1L-related condition. Identifiers: MedGen CN239416.

Allele frequency attached by ClinVar (database versions not stated): ExAC 0.00001; gnomAD exomes 0.00001; gnomAD 0.00003; TOPMed 0.00003.
gnomAD v4.1: 7 of 1,611,550 alleles (0.00043%); highest among the groups gnomAD compares: African/African-American, 0.008%; no homozygotes.

Submissions (3):

Ambry Genetics
Classification: Uncertain significance for Inborn genetic diseases. Last evaluated: 2025-03-27. Review status: criteria provided, single submitter. Criteria: Ambry Variant Classification Scheme 2023. Collection method: clinical testing. Allele origin: germline.

PreventionGenetics, part of Exact Sciences
Classification: Uncertain significance for RPGRIP1L-related condition. Last evaluated: 2025-01-31. Review status: criteria provided, single submitter. Criteria: ACMG Guidelines, 2015. Collection method: clinical testing. Allele origin: germline.
Comment: The RPGRIP1L c.3608A>G variant is predicted to result in the amino acid substitution p.Tyr1203Cys. To our knowledge, this variant has not been reported in the literature. This variant is reported in 0.012% of alleles in individuals of African descent in gnomAD. At this time, the clinical significance of this variant is uncertain due to the absence of conclusive functional and genetic evidence.

Labcorp Genetics (formerly Invitae), Labcorp
Classification: Uncertain significance for Joubert syndrome; Meckel-Gruber syndrome. Last evaluated: 2022-06-03. Review status: criteria provided, single submitter. Criteria: Invitae Variant Classification Sherloc (09022015). Collection method: clinical testing. Allele origin: germline.
Comment: This sequence change replaces tyrosine, which is neutral and polar, with cysteine, which is neutral and slightly polar, at codon 1203 of the RPGRIP1L protein (p.Tyr1203Cys). This variant is present in population databases (rs770785256, gnomAD 0.01%). This variant has not been reported in the literature in individuals affected with RPGRIP1L-related conditions. Algorithms developed to predict the effect of missense changes on protein structure and function (SIFT, PolyPhen-2, Align-GVGD) all suggest that this variant is likely to be disruptive. In summary, the available evidence is currently insufficient to determine the role of this variant in disease. Therefore, it has been classified as a Variant of Uncertain Significance.

NM_015272.5(RPGRIP1L):c.3608A>G (p.Tyr1203Cys)

Gene: RPGRIP1L (RPGRIP1 like; minus strand). Cytogenetic location: 16q12.2.
Variant type: single nucleotide variant.
Coding change: c.3608A>G on transcript NM_015272.5 (MANE Select); coding-DNA position 3608, A replaced by G.
Protein change: p.Tyr1203Cys; replaces tyrosine 1203 with cysteine.
Molecular consequence: missense variant.
Genome position (GRCh38, 1-based): chr16:53,619,033, T>C on the plus strand (A>G on the coding strand, the complement: RPGRIP1L is on the minus strand). VCF-style: chr16-53619033-T-C. GRCh37 (hg19) VCF-style: chr16-53652945-T-C.
Other names: c.3368A>G, p.Tyr1123Cys (NM_001127897.4); c.3470A>G, p.Tyr1157Cys (NM_001308334.3); c.3506A>G, p.Tyr1169Cys (NM_001330538.2); c.3608A>G (NM_015272.4, NM_015272.2); short protein forms Y1169C, Y1123C, Y1157C, Y1203C.
Identifiers: ClinVar variation 2083751 (VCV002083751.3), dbSNP rs770785256, ClinGen allele CA8057254.
Genomic context (GRCh38, chr16:53,619,033, plus strand): 5'-TAAATAAAAAAGACAAACATAAAAGTCTATATTACAAATGAATCATACATACCATTGCTA[T>C]AGTTATAGTAGACCCACTGCCCACTCTTGGGTTTTGGAAGTGACACGGGTGTCTCTTCAG-3'
Protein context (NP_056087.2, residues 1193-1213): PKSGQWVYYN[Tyr1203Cys]SNVIYVDKEN